The following is an entry in ClinVar:

ClinVar aggregate classification (germline): Uncertain significance (1 of 4 stars; one submission).

Conditions:
GTP cyclohydrolase I deficiency. Identifiers: MedGen C0268467, MONDO:0100184.
Dystonia 5 (DRD). Also called: DYT-GCH1; DYSTONIA, PROGRESSIVE, WITH DIURNAL VARIATION; DYSTONIA-PARKINSONISM WITH DIURNAL FLUCTUATION; Dystonia, DOPA-responsive, with or without hyperphenylalaninemia; GTP Cyclohydrolase 1-Deficient Dopa-Responsive Dystonia. Identifiers: Orphanet 98808, MedGen C1851920, MONDO:0007495, OMIM 128230.

Submission:

Labcorp Genetics (formerly Invitae), Labcorp
Classification: Uncertain significance for GTP cyclohydrolase I deficiency; Dystonia 5. Last evaluated: 2024-03-06. Review status: criteria provided, single submitter. Criteria: Invitae Variant Classification Sherloc (09022015). Collection method: clinical testing. Allele origin: germline.
Comment: This sequence change replaces proline, which is neutral and non-polar, with leucine, which is neutral and non-polar, at codon 27 of the GCH1 protein (p.Pro27Leu). This variant is not present in population databases (gnomAD no frequency). This variant has not been reported in the literature in individuals affected with GCH1-related conditions. Advanced modeling of protein sequence and biophysical properties (such as structural, functional, and spatial information, amino acid conservation, physicochemical variation, residue mobility, and thermodynamic stability) performed at Invitae indicates that this missense variant is not expected to disrupt GCH1 protein function with a negative predictive value of 95%. In summary, the available evidence is currently insufficient to determine the role of this variant in disease. Therefore, it has been classified as a Variant of Uncertain Significance.

NM_000161.3(GCH1):c.80C>T (p.Pro27Leu)

Genes: GCH1 (GTP cyclohydrolase 1; minus strand), LOC130055692 (ATAC-STARR-seq lymphoblastoid silent region 5776; plus strand). Cytogenetic location: 14q22.2.
Variant type: single nucleotide variant.
Coding change: c.80C>T on transcript NM_000161.3 (MANE Select); coding-DNA position 80, C replaced by T.
Protein change: p.Pro27Leu; replaces proline 27 with leucine.
Molecular consequence: missense variant.
Genome position (GRCh38, 1-based): chr14:54,902,584, G>A on the plus strand (C>T on the coding strand, the complement: GCH1 is on the minus strand). VCF-style: chr14-54902584-G-A. GRCh37 (hg19) VCF-style: chr14-55369302-G-A.
Other names: c.80C>T, p.Pro27Leu (NM_001024024.2, NM_001024070.2, NM_001024071.2 and 1 more transcripts); short protein forms P27L.
Identifiers: ClinVar variation 3750694 (VCV003750694.2).